The following is an entry in ClinVar:

ClinVar aggregate classification (germline): Pathogenic (1 of 4 stars; one submission).

Submission:

Labcorp Genetics (formerly Invitae), Labcorp
Classification: Pathogenic. Last evaluated: 2024-02-24. Review status: criteria provided, single submitter. Criteria: Invitae Variant Classification Sherloc (09022015). Collection method: clinical testing. Allele origin: germline.
Comment: This sequence change creates a premature translational stop signal (p.Ala711Glyfs*8) in the MYO7A gene. It is expected to result in an absent or disrupted protein product. Loss-of-function variants in MYO7A are known to be pathogenic (PMID: 8900236, 25404053). This variant is not present in population databases (gnomAD no frequency). This variant has not been reported in the literature in individuals affected with MYO7A-related conditions. ClinVar contains an entry for this variant (Variation ID: 1372809). For these reasons, this variant has been classified as Pathogenic.

Literature cited by the submitters: PubMed 8900236; PubMed 25404053.

NM_000260.4(MYO7A):c.2131dup (p.Ala711fs)

Gene: MYO7A (myosin VIIA; plus strand). Cytogenetic location: 11q13.5.
Variant type: Duplication.
Coding change: c.2131dup on transcript NM_000260.4 (MANE Select); coding-DNA position 2131, one base duplicated (G; older notation c.2131dupG).
Protein change: p.Ala711fs; shifts the reading frame from alanine 711.
Molecular consequence: frameshift variant.
Genome position (GRCh38, 1-based): chr11:77,175,408, G duplicated; the last of 2 consecutive G bases (chr11:77,175,407-77,175,408); duplicating either gives the same sequence. VCF-style (leftmost placement, unchanged base first): chr11-77175406-A-AG. GRCh37 (hg19) VCF-style: chr11-76886452-A-AG.
Other names: c.2131dup, p.Ala711fs (NM_001127180.2); c.2098dup, p.Ala700fs (NM_001369365.1); short protein forms A700fs, A711fs.
Identifiers: ClinVar variation 1372809 (VCV001372809.6), dbSNP rs2135430236, ClinGen allele CA2573147728.